The following is an entry in ClinVar:

ClinVar aggregate classification (germline): Uncertain significance (1 of 4 stars; one submission).

Submission:

CeGaT Center for Human Genetics Tuebingen
Classification: Uncertain significance. Last evaluated: 2024-07-01. Review status: criteria provided, single submitter. Criteria: CeGaT Center For Human Genetics Tuebingen Variant Classification Criteria Version 2. Collection method: clinical testing. Allele origin: germline. Affected: yes. Observed: 1 variant allele.
Comment: NDP: PM2

NM_000266.4(NDP):c.26C>T (p.Ser9Phe)

Genes: NDP (norrin cystine knot growth factor NDP; minus strand), NDP-AS1 (NDP antisense RNA 1; plus strand). Cytogenetic location: Xp11.3.
Variant type: single nucleotide variant.
Coding change: c.26C>T on transcript NM_000266.4 (MANE Select); coding-DNA position 26, C replaced by T.
Protein change: p.Ser9Phe; replaces serine 9 with phenylalanine.
Molecular consequence: missense variant.
Genome position (GRCh38, 1-based): chrX:43,958,620, G>A on the plus strand (C>T on the coding strand, the complement: NDP is on the minus strand). VCF-style: chrX-43958620-G-A. GRCh37 (hg19) VCF-style: chrX-43817866-G-A.
Other names: short protein forms S9F.
Identifiers: ClinVar variation 3257312 (VCV003257312.17).